The following is an entry in ClinVar:

ClinVar aggregate classification (germline): Uncertain significance (1 of 4 stars; one submission).

Submission:

Labcorp Genetics (formerly Invitae), Labcorp
Classification: Uncertain significance. Last evaluated: 2025-11-10. Review status: criteria provided, single submitter. Criteria: Invitae Variant Classification Sherloc (09022015). Collection method: clinical testing. Allele origin: germline.
Comment: This sequence change replaces asparagine, which is neutral and polar, with tyrosine, which is neutral and polar, at codon 164 of the A2ML1 protein (p.Asn164Tyr). This variant is not present in population databases (gnomAD no frequency). This variant has not been reported in the literature in individuals affected with A2ML1-related conditions. ClinVar contains an entry for this variant (Variation ID: 1036213). An algorithm developed to predict the effect of missense changes on protein structure and function (PolyPhen-2) suggests that this variant is likely to be disruptive. In summary, the available evidence is currently insufficient to determine the role of this variant in disease. Therefore, it has been classified as a Variant of Uncertain Significance.

NM_144670.6(A2ML1):c.490A>T (p.Asn164Tyr)

Gene: A2ML1 (alpha-2-macroglobulin like 1; plus strand). Cytogenetic location: 12p13.31.
Variant type: single nucleotide variant.
Coding change: c.490A>T on transcript NM_144670.6 (MANE Select); coding-DNA position 490, A replaced by T.
Protein change: p.Asn164Tyr; replaces asparagine 164 with tyrosine.
Molecular consequence: missense variant.
Genome position (GRCh38, 1-based): chr12:8,835,513, A>T. VCF-style: chr12-8835513-A-T. GRCh37 (hg19) VCF-style: chr12-8988109-A-T.
Other names: short protein forms N164Y.
Identifiers: ClinVar variation 1036213 (VCV001036213.8), dbSNP rs1943242316, ClinGen allele CA383821249.